The following is an entry in ClinVar:

NM_000037.4(ANK1):c.3487G>A (p.Gly1163Arg)

Gene: ANK1 (ankyrin 1; minus strand). Cytogenetic location: 8p11.21.
Variant type: single nucleotide variant.
Coding change: c.3487G>A on transcript NM_000037.4 (MANE Select); coding-DNA position 3487, G replaced by A.
Protein change: p.Gly1163Arg; replaces glycine 1163 with arginine.
Molecular consequence: missense variant.
Genome position (GRCh38, 1-based): chr8:41,693,943, C>T on the plus strand (G>A on the coding strand, the complement: ANK1 is on the minus strand). VCF-style: chr8-41693943-C-T. GRCh37 (hg19) VCF-style: chr8-41551461-C-T.
Other names: p.Gly1163Arg; c.3610G>A, p.Gly1204Arg (NM_001142446.2); c.3487G>A, p.Gly1163Arg (NM_020475.3, NM_020476.3, NM_020477.3); c.3487G>A (NM_000037.3); short protein forms G1163R, G1204R.
Identifiers: ClinVar variation 2077051 (VCV002077051.9), dbSNP rs1375440010, ClinGen allele CA371059384.
Genomic context (GRCh38, chr8:41,693,943, plus strand): 5'-AGGGGCCCCTCTCACCAATGACGCTGCAAAGCAGGCGCAGGCTGGTGGTGTCTCCCTCCC[C>T]GCTGTCCCTCGGGTTGTCGGTCCAGGAAGGAGGTAGTGGGATCCGAAGCCCAATGGGGCG-3'
Protein context (NP_000028.3, residues 1153-1173): PSWTDNPRDS[Gly1163Arg]EGDTTSLRLL

ClinVar aggregate classification (germline): Uncertain significance. Review status: criteria provided, multiple submitters, no conflicts (2 of 4 stars). 6 submissions from 6 submitters: Uncertain significance (6). Last evaluated 2025-08-14.

Conditions:
Inborn genetic diseases. Identifiers: MedGen C0950123, MeSH D030342.
Hereditary spherocytosis type 1. Also called: Spherocytosis type 1; ANK1-Related Spherocytosis. Identifiers: Orphanet 822, MedGen C2674218, MONDO:0008447, OMIM 182900.

Allele frequency attached by ClinVar (database versions not stated): gnomAD 0.00001; gnomAD exomes 0.00001; TOPMed 0.00001.
gnomAD v4.1: 22 of 1,613,550 alleles (0.0014%); highest among the groups gnomAD compares: Admixed American, 0.012%; no homozygotes.

Submissions (6):

Ambry Genetics
Classification: Uncertain significance for Inborn genetic diseases. Last evaluated: 2025-08-14. Review status: criteria provided, single submitter. Criteria: Ambry Variant Classification Scheme 2023. Collection method: clinical testing. Allele origin: germline.

ARUP Laboratories, Molecular Genetics and Genomics, ARUP Laboratories
Classification: Uncertain significance for Hereditary spherocytosis type 1. Last evaluated: 2024-10-04. Review status: criteria provided, single submitter. Criteria: ARUP Molecular Germline Variant Investigation Process 2024. Collection method: clinical testing. Allele origin: germline.
Comment: The ANK1 c.3487G>A; p.Gly1163Arg variant (rs1375440010), to our knowledge, is not reported in the medical literature but is reported in ClinVar (Variation ID: 2077051). This variant is found in the Admixed American population with an allele frequency of 0.01% (4/34,422 alleles) in the Genome Aggregation Database (v2.1.1). Computational analyses are uncertain whether this variant is neutral or deleterious (REVEL: 0.373). Due to limited information, the clinical significance of this variant is uncertain at this time.

Blueprint Genetics
Classification: Uncertain significance. Last evaluated: 2024-06-14. Review status: criteria provided, single submitter. Criteria: ACMG Guidelines, 2015. Collection method: clinical testing. Allele origin: germline.

Revvity Omics, Revvity
Classification: Uncertain significance for Hereditary spherocytosis type 1. Last evaluated: 2023-10-31. Review status: criteria provided, single submitter. Criteria: ACMG Guidelines, 2015. Collection method: clinical testing. Allele origin: germline.

Labcorp Genetics (formerly Invitae), Labcorp
Classification: Uncertain significance. Last evaluated: 2023-10-13. Review status: criteria provided, single submitter. Criteria: Invitae Variant Classification Sherloc (09022015). Collection method: clinical testing. Allele origin: germline.
Comment: This sequence change replaces glycine, which is neutral and non-polar, with arginine, which is basic and polar, at codon 1163 of the ANK1 protein (p.Gly1163Arg). This variant is present in population databases (no rsID available, gnomAD 0.01%). This variant has not been reported in the literature in individuals affected with ANK1-related conditions. ClinVar contains an entry for this variant (Variation ID: 2077051). Advanced modeling of protein sequence and biophysical properties (such as structural, functional, and spatial information, amino acid conservation, physicochemical variation, residue mobility, and thermodynamic stability) has been performed at Invitae for this missense variant, however the output from this modeling did not meet the statistical confidence thresholds required to predict the impact of this variant on ANK1 protein function. In summary, the available evidence is currently insufficient to determine the role of this variant in disease. Therefore, it has been classified as a Variant of Uncertain Significance.

Mayo Clinic Laboratories, Mayo Clinic
Classification: Uncertain significance. Last evaluated: 2022-09-27. Review status: criteria provided, single submitter. Criteria: ACMG Guidelines, 2015. Collection method: clinical testing. Allele origin: germline. Observed: 1 variant allele.